The following is an entry in ClinVar:

NM_001113378.2(FANCI):c.1396A>G (p.Ile466Val)

Gene: FANCI (FA complementation group I; plus strand). Cytogenetic location: 15q26.1.
Variant type: single nucleotide variant.
Coding change: c.1396A>G on transcript NM_001113378.2 (MANE Select); coding-DNA position 1396, A replaced by G.
Protein change: p.Ile466Val; replaces isoleucine 466 with valine.
Molecular consequence: missense variant.
Genome position (GRCh38, 1-based): chr15:89,281,184, A>G. VCF-style: chr15-89281184-A-G. GRCh37 (hg19) VCF-style: chr15-89824415-A-G.
Other names: c.1117A>G, p.Ile373Val (NM_001376910.1); c.1396A>G, p.Ile466Val (NM_001376911.1, NM_018193.3); short protein forms I373V, I466V.
Identifiers: ClinVar variation 4885867 (VCV004885867.2).

ClinVar aggregate classification (germline): Uncertain significance (1 of 4 stars; one submission).

Submission:

Dasa
Classification: Uncertain significance. Last evaluated: 2025-05-25. Review status: criteria provided, single submitter. Criteria: DASA Assertion Criteria. Collection method: clinical testing. Allele origin: germline.
Comment: NM_001113378.2(FANCI):c.1396A>G (p.Ile466Val) is a missense variant that results in the substitution of isoleucine with valine. This variant is absent from population databases. Computational prediction algorithms are consistent with a benign effect. The currently available literature and clinical evidence are not sufficient to establish a definitive association between this variant and the reported condition. Therefore, this variant is classified as a variant of uncertain significance.